The following is an entry in ClinVar:

NM_001148.6(ANK2):c.85-23329G>A

Gene: ANK2 (ankyrin 2; plus strand). Cytogenetic location: 4q25.
Variant type: single nucleotide variant.
Coding change: c.85-23329G>A on transcript NM_001148.6 (MANE Select); 23329 bases into the intron before coding-DNA position 85, G replaced by A.
Molecular consequence: intron variant. On other transcripts: missense variant (4).
Genome position (GRCh38, 1-based): chr4:113,151,087, G>A. VCF-style: chr4-113151087-G-A. GRCh37 (hg19) VCF-style: chr4-114072243-G-A.
Other names: c.92G>A, p.Cys31Tyr (NM_001354241.2); c.29G>A, p.Cys10Tyr (NM_001354261.2, NM_001386147.1, NM_001386160.1); c.73-23329G>A (NM_001386186.2, NM_001386148.2, NM_001354269.3 and 1 more transcripts); c.22-23329G>A (NM_001354254.2, NM_001354239.2, NM_001354252.2 and 33 more transcripts); c.85-23329G>A (NM_001354225.2, NM_001354235.2, NM_001354246.2 and 9 more transcripts); c.130-23329G>A (NM_001386152.1, NM_001354237.2, NM_001354230.2 and 4 more transcripts); c.135+5084G>A (NM_001386174.1, NM_001386175.1); short protein forms C10Y, C31Y.
Identifiers: ClinVar variation 3348084 (VCV003348084.1).

ClinVar aggregate classification (germline): Uncertain significance (0 of 4 stars; one submission).

Conditions:
ANK2-related disorder. Also called: ANK2-related condition.

gnomAD v4.1: 3 of 1,288,812 alleles (0.00023%); highest among the groups gnomAD compares: Non-Finnish European, 0.0003%; no homozygotes.

Submission:

PreventionGenetics, part of Exact Sciences
Classification: Uncertain significance for ANK2-related condition. Last evaluated: 2024-03-22. Review status: no assertion criteria provided. Collection method: clinical testing. Allele origin: germline.
Comment: The ANK2 c.92G>A variant is predicted to result in the amino acid substitution p.Cys31Tyr. To our knowledge, this variant has not been reported in the literature or in a large population database, indicating this variant is rare. At this time, the clinical significance of this variant is uncertain due to the absence of conclusive functional and genetic evidence.